The following is an entry in ClinVar:

ClinVar aggregate classification (germline): Uncertain significance. Review status: criteria provided, multiple submitters, no conflicts (2 of 4 stars). 2 submissions from 2 submitters: Uncertain significance (2). Last evaluated 2025-09-28.

Conditions:
Inborn genetic diseases. Identifiers: MedGen C0950123, MeSH D030342.

Submissions (2):

Ambry Genetics
Classification: Uncertain significance for Inborn genetic diseases. Last evaluated: 2025-09-28. Review status: criteria provided, single submitter. Criteria: Ambry Variant Classification Scheme 2023. Collection method: clinical testing. Allele origin: germline.

Labcorp Genetics (formerly Invitae), Labcorp
Classification: Uncertain significance. Last evaluated: 2024-04-22. Review status: criteria provided, single submitter. Criteria: Invitae Variant Classification Sherloc (09022015). Collection method: clinical testing. Allele origin: germline.
Comment: This sequence change replaces arginine, which is basic and polar, with glutamine, which is neutral and polar, at codon 145 of the DVL3 protein (p.Arg145Gln). This variant is present in population databases (rs183681464, gnomAD 0.01%). This variant has not been reported in the literature in individuals affected with DVL3-related conditions. Advanced modeling of protein sequence and biophysical properties (such as structural, functional, and spatial information, amino acid conservation, physicochemical variation, residue mobility, and thermodynamic stability) performed at Invitae indicates that this missense variant is not expected to disrupt DVL3 protein function with a negative predictive value of 80%. In summary, the available evidence is currently insufficient to determine the role of this variant in disease. Therefore, it has been classified as a Variant of Uncertain Significance.

NM_004423.4(DVL3):c.434G>A (p.Arg145Gln)

Gene: DVL3 (dishevelled segment polarity protein 3; plus strand). Cytogenetic location: 3q27.1.
Variant type: single nucleotide variant.
Coding change: c.434G>A on transcript NM_004423.4 (MANE Select); coding-DNA position 434, G replaced by A.
Protein change: p.Arg145Gln; replaces arginine 145 with glutamine.
Molecular consequence: missense variant.
Genome position (GRCh38, 1-based): chr3:184,164,572, G>A. VCF-style: chr3-184164572-G-A. GRCh37 (hg19) VCF-style: chr3-183882360-G-A.
Other names: c.434G>A (NM_004423.3); short protein forms R145Q.
Identifiers: ClinVar variation 3606067 (VCV003606067.3).